The following is an entry in ClinVar:

ClinVar aggregate classification (germline): Likely pathogenic (1 of 4 stars; one submission).

Conditions:
Mitochondrial complex I deficiency, nuclear type 5. Also called: Mitochondrial complex 1 deficiency, nuclear type 5. Identifiers: MedGen C4748754, MONDO:0032610, OMIM 618226.

Submission:

3billion
Classification: Likely pathogenic for Mitochondrial complex I deficiency, nuclear type 5. Last evaluated: 2025-05-21. Review status: criteria provided, single submitter. Criteria: ACMG Guidelines, 2015. Collection method: clinical testing. Allele origin: germline. Affected: yes.
Comment: The variant is not observed in the gnomAD v4.1.0 dataset. Predicted Consequence/Location: Frameshift: predicted to result in a loss or disruption of normal protein function through nonsense-mediated decay (NMD) or protein truncation. Multiple pathogenic variants are reported downstream of the variant. Therefore, this variant is classified as Likely pathogenic according to the recommendation of ACMG/AMP guideline.

NM_005006.7(NDUFS1):c.1378del (p.His460fs)

Gene: NDUFS1 (NADH:ubiquinone oxidoreductase core subunit S1; minus strand). Cytogenetic location: 2q33.3.
Variant type: Deletion.
Coding change: c.1378del on transcript NM_005006.7 (MANE Select); coding-DNA position 1378, one base deleted (C; older notation c.1378delC).
Protein change: p.His460fs; shifts the reading frame from histidine 460.
Molecular consequence: frameshift variant.
Genome position (GRCh38, 1-based): chr2:206,138,499, G deleted on the plus strand (C on the coding strand, the reverse complement: NDUFS1 is on the minus strand); the first of 2 consecutive G bases (chr2:206,138,499-206,138,500); deleting either gives the same sequence. VCF-style (leftmost placement, unchanged base first): chr2-206138498-TG-T. GRCh37 (hg19) VCF-style: chr2-207003222-TG-T.
Other names: c.1270del, p.His424fs (NM_001199981.2); c.1045del, p.His349fs (NM_001199982.2); c.1207del, p.His403fs (NM_001199983.2); c.1420del, p.His474fs (NM_001199984.2); short protein forms H349fs, H403fs, H424fs, H460fs, H474fs.
Identifiers: ClinVar variation 4854321 (VCV004854321.1).